The following is an entry in ClinVar:

ClinVar aggregate classification (germline): Conflicting classifications of pathogenicity. Review status: criteria provided, conflicting classifications (1 of 4 stars). 6 submissions from 6 submitters: Uncertain significance (1); Likely benign (5). Last evaluated 2026-01-25.

Conditions:
COG7-related disorder. Also called: COG7-related condition.
COG7 congenital disorder of glycosylation (CDG2E). Also called: CONGENITAL DISORDER OF GLYCOSYLATION, TYPE IIe; CDG IIe. Identifiers: Orphanet 79333, MedGen C2931010, MONDO:0012118, OMIM 608779.

Allele frequency attached by ClinVar (database versions not stated): gnomAD 0.00011 and 0.00012; ExAC 0.00012; ESP Exome Variant Server 0.00015; gnomAD exomes 0.00017 and 0.00020; TOPMed 0.00018.
gnomAD v4.1: 280 of 1,614,176 alleles (0.017%); highest among the groups gnomAD compares: Middle Eastern, 0.41%; 1 homozygote.

Submissions (6):

Labcorp Genetics (formerly Invitae), Labcorp
Classification: Likely benign for COG7 congenital disorder of glycosylation. Last evaluated: 2026-01-25. Review status: criteria provided, single submitter. Criteria: Invitae Variant Classification Sherloc (09022015). Collection method: clinical testing. Allele origin: germline.

PreventionGenetics, part of Exact Sciences
Classification: Likely benign for COG7-related condition. Last evaluated: 2025-11-18. Review status: criteria provided, single submitter. Criteria: ACMG Guidelines, 2015. Collection method: clinical testing. Allele origin: germline.
Comment: This variant is classified as likely benign based on ACMG/AMP sequence variant interpretation guidelines (Richards et al. 2015 PMID: 25741868, with internal and published modifications).

Blueprint Genetics
Classification: Likely benign. Last evaluated: 2024-09-25. Review status: criteria provided, single submitter. Criteria: ACMG Guidelines, 2015. Collection method: clinical testing. Allele origin: germline.

CeGaT Center for Human Genetics Tuebingen
Classification: Likely benign. Last evaluated: 2022-11-01. Review status: criteria provided, single submitter. Criteria: CeGaT Center For Human Genetics Tuebingen Variant Classification Criteria Version 2. Collection method: clinical testing. Allele origin: germline. Affected: yes. Observed: 1 variant allele.
Comment: COG7: BP4, BP7

Eurofins Ntd Llc (ga)
Classification: Uncertain significance. Last evaluated: 2016-12-02. Review status: criteria provided, single submitter. Criteria: EGL Classification Definitions 2015. Collection method: clinical testing. Allele origin: germline. Observed: 1 variant allele, 1 heterozygote.

GeneDx
Classification: Likely benign. Last evaluated: 2016-02-08. Review status: criteria provided, single submitter. Criteria: GeneDx Variant Classification (06012015). Collection method: clinical testing. Allele origin: germline. Affected: yes.
Comment: This variant is considered likely benign or benign based on one or more of the following criteria: it is a conservative change, it occurs at a poorly conserved position in the protein, it is predicted to be benign by multiple in silico algorithms, and/or has population frequency not consistent with disease.

NM_153603.4(COG7):c.2013G>A (p.Leu671=)

Gene: COG7 (component of oligomeric golgi complex 7; minus strand). Cytogenetic location: 16p12.2.
Variant type: single nucleotide variant.
Coding change: c.2013G>A on transcript NM_153603.4 (MANE Select); coding-DNA position 2013, G replaced by A.
Protein change: p.Leu671=; no amino-acid change (leucine 671 retained).
Molecular consequence: synonymous variant.
Genome position (GRCh38, 1-based): chr16:23,392,513, C>T on the plus strand (G>A on the coding strand, the complement: COG7 is on the minus strand). VCF-style: chr16-23392513-C-T. GRCh37 (hg19) VCF-style: chr16-23403834-C-T.
Identifiers: ClinVar variation 382386 (VCV000382386.41), dbSNP rs370447404, ClinGen allele CA7960804.